The following is an entry in ClinVar:

ClinVar aggregate classification (germline): Uncertain significance (1 of 4 stars; one submission).

Conditions:
Retinitis pigmentosa 26 (RP26). Identifiers: Orphanet 791, MedGen C1842127, MONDO:0012024, OMIM 608380.

Submission:

Myriad Genetics, Inc.
Classification: Uncertain significance for Retinitis pigmentosa 26. Last evaluated: 2026-06-01. Review status: criteria provided, single submitter. Criteria: Myriad Autosomal Dominant, Autosomal Recessive and X-Linked Classification Criteria (2023). Collection method: clinical testing. Allele origin: unknown.
Comment: NM_001030311.2(CERKL):c.156_160del5ins5(I54V) is a missense variant classified as a variant of uncertain significance in the context of retinitis pigmentosa, CERKL-related. I54V has not been observed in cases with relevant disease. Relevant functional assessments of this variant are not available in the literature. I54V has not been observed in referenced population frequency databases. In summary, there is insufficient evidence to classify NM_001030311.2(CERKL):c.156_160del5ins5(I54V) as pathogenic or benign. Please note: this variant was assessed in the context of healthy population screening.

NM_201548.5(CERKL):c.156_160delinsTGAGG (p.Ile54Val)

Gene: CERKL (CERK like autophagy regulator; minus strand). Cytogenetic location: 2q31.3.
Variant type: Indel.
Coding change: c.156_160delinsTGAGG on transcript NM_201548.5 (MANE Select); coding-DNA positions 156 to 160, CGAGA replaced by TGAGG.
Protein change: p.Ile54Val; replaces isoleucine 54 with valine.
Molecular consequence: missense variant. On other transcripts: non-coding transcript variant (2).
Genome position (GRCh38, 1-based): chr2:181,656,847-181,656,851, TCTCG replaced by CCTCA on the plus strand (CGAGA replaced by TGAGG on the coding strand, the reverse complement: CERKL is on the minus strand). VCF-style: chr2-181656847-TCTCG-CCTCA. GRCh37 (hg19) VCF-style: chr2-182521574-TCTCG-CCTCA.
Other names: c.156_160delinsTGAGG, p.Ile54Val (NM_001030311.3, NM_001030312.3, NM_001030313.3 and 1 more transcripts); short protein forms I54V.
Identifiers: ClinVar variation 5004708 (VCV005004708.1).
Genomic context (GRCh38, chr2:181,656,847, plus strand): 5'-GAATGGGCCGCCACCGCAGTGCTCGCTCGCTCAGCACCACGTCACAACTGTCCCTCCCGA[TCTCG>CCTCA]AAGATGCCCCGGAGCAGAATCCGCTCGGCCGCCGCCTCCGTCTGCTGCGGGGACGTTAAC-3'
Protein context (NP_963842.1, residues 44-64): ERILLRGIFE[Ile54Val]GRDSCDVVLS